The following is an entry in ClinVar:

ClinVar aggregate classification (germline): Uncertain significance (1 of 4 stars; one submission).

Conditions:
Cardiovascular phenotype. Identifiers: MedGen CN230736.

Allele frequency attached by ClinVar (database versions not stated): TOPMed below 0.00001.

Submission:

Ambry Genetics
Classification: Uncertain significance for Cardiovascular phenotype. Last evaluated: 2021-12-07. Review status: criteria provided, single submitter. Criteria: Ambry Variant Classification Scheme 2023. Collection method: clinical testing. Allele origin: germline.
Comment: The p.L584Q variant (also known as c.1751T>A), located in coding exon 16 of the PRDM5 gene, results from a T to A substitution at nucleotide position 1751. The leucine at codon 584 is replaced by glutamine, an amino acid with dissimilar properties. This amino acid position is conserved. In addition, this alteration is predicted to be deleterious by in silico analysis. Since supporting evidence is limited at this time, the clinical significance of this alteration remains unclear.

NM_018699.4(PRDM5):c.1751T>A (p.Leu584Gln)

Gene: PRDM5 (PR/SET domain 5; minus strand). Cytogenetic location: 4q27.
Variant type: single nucleotide variant.
Coding change: c.1751T>A on transcript NM_018699.4 (MANE Select); coding-DNA position 1751, T replaced by A.
Protein change: p.Leu584Gln; replaces leucine 584 with glutamine.
Molecular consequence: missense variant. On other transcripts: 3 prime UTR variant (1).
Genome position (GRCh38, 1-based): chr4:120,695,253, A>T on the plus strand (T>A on the coding strand, the complement: PRDM5 is on the minus strand). VCF-style: chr4-120695253-A-T. GRCh37 (hg19) VCF-style: chr4-121616408-A-T.
Other names: c.1658T>A, p.Leu553Gln (NM_001300823.2); c.*66T>A (NM_001300824.2); c.1784T>A, p.Leu595Gln (NM_001379104.1); c.1553T>A, p.Leu518Gln (NM_001379106.1); short protein forms L518Q, L584Q, L553Q, L595Q.
Identifiers: ClinVar variation 1779408 (VCV001779408.2), dbSNP rs1734389835, ClinGen allele CA358206618.
Genomic context (GRCh38, chr4:120,695,253, plus strand): 5'-CATTCTGCCAGGGGACGATTGGGATTATGAGTCATCTTGTGTCGAATCAGCATTTTCTTC[A>T]GGCTAAAAGCCAAATCACAAACCTAGAAAAGACCCAAAGACCAACCATATTATACTGAAA-3'
Protein context (NP_061169.2, residues 574-594): QCDVCDLAFS[Leu584Gln]KKMLIRHKMT